The following is an entry in ClinVar:

ClinVar aggregate classification (germline): Conflicting classifications of pathogenicity. Review status: criteria provided, conflicting classifications (1 of 4 stars). 3 submissions from 3 submitters: Likely pathogenic (2); Uncertain significance (1). Last evaluated 2024-04-08.

Conditions:
Hereditary cancer-predisposing syndrome. Also called: Neoplastic Syndromes, Hereditary; Hereditary neoplastic syndrome; Tumor predisposition; Hereditary Cancer Syndrome. Identifiers: Orphanet 140162, MedGen C0027672, MeSH D009386, MONDO:0015356.
Cardiovascular phenotype. Identifiers: MedGen CN230736.
Neurofibromatosis, type 1 (NF1). Also called: Peripheral type neurofibromatosis; VON RECKLINGHAUSEN DISEASE; Neurofibromatosis, type I; NEUROFIBROMATOSIS, TYPE I, SOMATIC. Identifiers: Orphanet 636, MedGen C0027831, MONDO:0018975, OMIM 162200. Disease mechanism: loss of function.
Neurofibromatosis-Noonan syndrome (NFNS). Also called: NEUROFIBROMATOSIS WITH NOONAN PHENOTYPE. Identifiers: Orphanet 638, MedGen C2931482, MONDO:0011035, OMIM 601321. Disease mechanism: loss of function.
Café-au-lait macules with pulmonary stenosis (WTSN). Also called: PULMONIC STENOSIS WITH CAFE-AU-LAIT SPOTS. Identifiers: MedGen C0553586, MONDO:0008672, OMIM 193520.
Neurofibromatosis, familial spinal (FSNF). Identifiers: Orphanet 636, MedGen C1834235, MONDO:0008078, OMIM 162210. Disease mechanism: loss of function.
Juvenile myelomonocytic leukemia (JMML). Also called: LEUKEMIA, JUVENILE MYELOMONOCYTIC, SOMATIC. Identifiers: Orphanet 86834, MedGen C0349639, MONDO:0011908, OMIM 607785, HP:0012209.

Submissions (3):

Labcorp Genetics (formerly Invitae), Labcorp
Classification: Likely pathogenic for Neurofibromatosis, type 1. Last evaluated: 2024-04-08. Review status: criteria provided, single submitter. Criteria: Invitae Variant Classification Sherloc (09022015). Collection method: clinical testing. Allele origin: germline.
Comment: This sequence change falls in intron 53 of the NF1 gene. It does not directly change the encoded amino acid sequence of the NF1 protein. It affects a nucleotide within the consensus splice site. This variant is not present in population databases (gnomAD no frequency). This variant has been observed in individual(s) with clinical features of NF1-related conditions (Invitae). ClinVar contains an entry for this variant (Variation ID: 845459). Variants that disrupt the consensus splice site are a relatively common cause of aberrant splicing (PMID: 17576681, 9536098). Algorithms developed to predict the effect of sequence changes on RNA splicing suggest that this variant may disrupt the consensus splice site. This variant disrupts the c.7907+5 nucleotide in the NF1 gene. Other variant(s) that disrupt this nucleotide have been determined to be pathogenic (PMID: 15146469, 25074460). This suggests that this nucleotide is clinically significant, and that variants that disrupt this position are likely to be disease-causing. In summary, the currently available evidence indicates that the variant is pathogenic, but additional data are needed to prove that conclusively. Therefore, this variant has been classified as Likely Pathogenic.

Ambry Genetics
Classification: Likely pathogenic for Cardiovascular phenotype; Hereditary cancer-predisposing syndrome. Last evaluated: 2024-01-26. Review status: criteria provided, single submitter. Criteria: Ambry Variant Classification Scheme 2023. Collection method: clinical testing. Allele origin: germline.
Comment: The c.7907+5G>C intronic variant results from a G to C substitution 5 nucleotides after coding exon 53 in the NF1 gene. This nucleotide position is highly conserved in available vertebrate species. In silico splice site analysis predicts that this alteration will weaken the native splice donor site. This variant was reported in an individual with a clinical diagnosis of neurofibromatosis (external communication). Other alterations impacting the same donor site (c.7907+2T>C) have been detected in individuals with neurofibromatosis type I (Pros E et al. Hum Mutat, 2008 Sep;29:E173-93; Ambry internal data). This variant is considered to be rare based on population cohorts in the Genome Aggregation Database (gnomAD). Based on the majority of available evidence to date, this variant is likely to be pathogenic.

Juno Genomics, Hangzhou Juno Genomics, Inc
Classification: Uncertain significance for Neurofibromatosis, type 1; Juvenile myelomonocytic leukemia; Neurofibromatosis, familial spinal; Neurofibromatosis-Noonan syndrome; Café-au-lait macules with pulmonary stenosis. Review status: criteria provided, single submitter. Criteria: ACMG Guidelines, 2015. Collection method: clinical testing. Allele origin: germline. Affected: yes.
Comment: Absent from controls (or at extremely low frequency if recessive) in Genome Aggregation Database, Exome Sequencing Project, 1000 Genomes Project, or Exome Aggregation Consortium.;Multiple lines of computational evidence support a deleterious effect on the gene or gene product (conservation, evolutionary, splicing impact, etc).;Assumed de novo, but without confirmation of paternity and maternity.;Patient's phenotype or family history is highly specific for a disease with a single genetic etiology.

Literature cited by the submitters: PubMed 17576681 (cited by Labcorp Genetics (formerly Invitae), Labcorp); PubMed 9536098 (cited by Labcorp Genetics (formerly Invitae), Labcorp); PubMed 15146469 (cited by Labcorp Genetics (formerly Invitae), Labcorp); PubMed 25074460 (cited by Labcorp Genetics (formerly Invitae), Labcorp).

NM_001042492.3(NF1):c.7970+5G>C

Gene: NF1 (neurofibromin 1; plus strand). Cytogenetic location: 17q11.2.
Variant type: single nucleotide variant.
Coding change: c.7970+5G>C on transcript NM_001042492.3 (MANE Select); 5 bases into the intron after coding-DNA position 7970, G replaced by C.
Molecular consequence: intron variant.
Genome position (GRCh38, 1-based): chr17:31,357,374, G>C. VCF-style: chr17-31357374-G-C. GRCh37 (hg19) VCF-style: chr17-29684392-G-C.
Other names: c.7907+5G>C (NM_000267.4).
Identifiers: ClinVar variation 845459 (VCV000845459.9), dbSNP rs1567627286, ClinGen allele CA916080684.